The following is an entry in ClinVar:

ClinVar aggregate classification (germline): Uncertain significance (1 of 4 stars; one submission).

Allele frequency attached by ClinVar (database versions not stated): gnomAD exomes below 0.00001; gnomAD 0.00001.
gnomAD v4.1: 2 of 1,613,530 alleles (0.00012%); highest among the groups gnomAD compares: Non-Finnish European, 0.00017%; no homozygotes.

Submission:

Labcorp Genetics (formerly Invitae), Labcorp
Classification: Uncertain significance for Ehlers-Danlos syndrome progeroid type. Last evaluated: 2023-01-07. Review status: criteria provided, single submitter. Criteria: Invitae Variant Classification Sherloc (09022015). Collection method: clinical testing. Allele origin: germline.
Comment: This variant has not been reported in the literature in individuals affected with B4GALT7-related conditions. Variants that disrupt the consensus splice site are a relatively common cause of aberrant splicing (PMID: 17576681, 9536098). Algorithms developed to predict the effect of sequence changes on RNA splicing suggest that this variant may create or strengthen a splice site. In summary, the available evidence is currently insufficient to determine the role of this variant in disease. Therefore, it has been classified as a Variant of Uncertain Significance. This variant is not present in population databases (gnomAD no frequency). This sequence change falls in intron 2 of the B4GALT7 gene. It does not directly change the encoded amino acid sequence of the B4GALT7 protein. It affects a nucleotide within the consensus splice site.

Literature cited by the submitters: PubMed 17576681; PubMed 9536098.

NM_007255.3(B4GALT7):c.413+3A>G

Gene: B4GALT7 (beta-1,4-galactosyltransferase 7; plus strand). Cytogenetic location: 5q35.3.
Variant type: single nucleotide variant.
Coding change: c.413+3A>G on transcript NM_007255.3 (MANE Select); 3 bases into the intron after coding-DNA position 413, A replaced by G.
Molecular consequence: intron variant.
Genome position (GRCh38, 1-based): chr5:177,604,544, A>G. VCF-style: chr5-177604544-A-G. GRCh37 (hg19) VCF-style: chr5-177031545-A-G.
Identifiers: ClinVar variation 2989256 (VCV002989256.2), dbSNP rs1767931352, ClinGen allele CA1084832578.